The following is an entry in ClinVar:

NM_014244.5(ADAMTS2):c.103_108delinsAA (p.Ala35fs)

Gene: ADAMTS2 (ADAM metallopeptidase with thrombospondin type 1 motif 2; minus strand). Cytogenetic location: 5q35.3.
Variant type: Indel.
Coding change: c.103_108delinsAA on transcript NM_014244.5 (MANE Select); coding-DNA positions 103 to 108, GCGAAC replaced by AA.
Protein change: p.Ala35fs; shifts the reading frame from alanine 35.
Molecular consequence: frameshift variant.
Genome position (GRCh38, 1-based): chr5:179,345,221-179,345,226, GTTCGC replaced by TT on the plus strand (GCGAAC replaced by AA on the coding strand, the reverse complement: ADAMTS2 is on the minus strand). VCF-style: chr5-179345221-GTTCGC-TT. GRCh37 (hg19) VCF-style: chr5-178772222-GTTCGC-TT.
Other names: c.103_108delinsAA, p.Ala35fs (NM_021599.4); short protein forms A35fs.
Identifiers: ClinVar variation 5010786 (VCV005010786.1).

ClinVar aggregate classification (germline): Pathogenic (1 of 4 stars; one submission).

Conditions:
Ehlers-Danlos syndrome, dermatosparaxis type. Also called: EDS VIIC; Dermatosparaxis; Ehlers-Danlos syndrome, type VII, autosomal recessive. Identifiers: Orphanet 1901, MedGen C2700425, MONDO:0009161, OMIM 225410.

Submission:

Myriad Genetics, Inc.
Classification: Pathogenic for Ehlers-Danlos syndrome, dermatosparaxis type. Last evaluated: 2024-05-14. Review status: criteria provided, single submitter. Criteria: Myriad Autosomal Dominant, Autosomal Recessive and X-Linked Classification Criteria (2023). Collection method: clinical testing. Allele origin: unknown.
Comment: NM_014244.4(ADAMTS2):c.103_108del6ins2(A35Kfs*129) is expected to be pathogenic in the context of Ehlers-Danlos syndrome, ADAMTS2-related. This variant is predicted to lead to an abnormal or absent protein product due to the creation of a premature termination codon in ADAMTS2, a gene where loss-of-function variants are known to be pathogenic. Please note: this variant was assessed in the context of healthy population screening.